The following is an entry in ClinVar:

NM_002834.5(PTPN11):c.1782A>G (p.Ter594Trp)

Gene: PTPN11 (protein tyrosine phosphatase non-receptor type 11; plus strand). Cytogenetic location: 12q24.13.
Variant type: single nucleotide variant.
Coding change: c.1782A>G on transcript NM_002834.5 (MANE Select); coding-DNA position 1782, A replaced by G.
Protein change: p.Ter594Trp.
Molecular consequence: stop lost.
Genome position (GRCh38, 1-based): chr12:112,504,764, A>G. VCF-style: chr12-112504764-A-G. GRCh37 (hg19) VCF-style: chr12-112942568-A-G.
Other names: c.1794A>G, p.Ter598Trp (NM_001330437.2); c.1779A>G, p.Ter593Trp (NM_001374625.1).
Identifiers: ClinVar variation 3725738 (VCV003725738.2).
Genomic context (GRCh38, chr12:112,504,764, plus strand): 5'-AGACAGTGCTAGAGTCTATGAAAACGTGGGCCTGATGCAACAGCAGAAAAGTTTCAGATG[A>G]GAAAACCTGCCAAAACTTCAGCACAGAAATAGGTATTTAAATGCAAGTGCTCTATTGGTT-3'

ClinVar aggregate classification (germline): Uncertain significance (1 of 4 stars; one submission).

Conditions:
RASopathy. Also called: rasopathies; Noonan spectrum disorder. Identifiers: Orphanet 536391, MedGen C5555857, MONDO:0021060.

Submission:

Labcorp Genetics (formerly Invitae), Labcorp
Classification: Uncertain significance for RASopathy. Last evaluated: 2024-11-21. Review status: criteria provided, single submitter. Criteria: Invitae Variant Classification Sherloc (09022015). Collection method: clinical testing. Allele origin: germline.
Comment: This sequence change disrupts the translational stop signal of the PTPN11 mRNA. It is expected to extend the length of the PTPN11 protein by 19 additional amino acid residues. This variant is not present in population databases (gnomAD no frequency). This variant has not been reported in the literature in individuals affected with PTPN11-related conditions. Experimental studies and prediction algorithms are not available or were not evaluated, and the functional significance of this variant is currently unknown. In summary, the available evidence is currently insufficient to determine the role of this variant in disease. Therefore, it has been classified as a Variant of Uncertain Significance.